The following is an entry in ClinVar:

ClinVar aggregate classification (germline): Uncertain significance (1 of 4 stars; one submission).

Conditions:
MHC class II deficiency. Also called: Bare lymphocyte syndrome 2; BLS, TYPE II. Identifiers: Orphanet 572, MedGen C5447452, MONDO:0008855.

Allele frequency attached by ClinVar (database versions not stated): TOPMed below 0.00001; gnomAD exomes 0.00001 and 0.00002; ExAC 0.00002; gnomAD 0.00002.

Submission:

Labcorp Genetics (formerly Invitae), Labcorp
Classification: Uncertain significance for MHC class II deficiency. Last evaluated: 2021-12-08. Review status: criteria provided, single submitter. Criteria: Invitae Variant Classification Sherloc (09022015). Collection method: clinical testing. Allele origin: germline.
Comment: In summary, the available evidence is currently insufficient to determine the role of this variant in disease. Therefore, it has been classified as a Variant of Uncertain Significance. Algorithms developed to predict the effect of missense changes on protein structure and function output the following: SIFT: "Tolerated"; PolyPhen-2: "Benign"; Align-GVGD: "Class C0". The tryptophan amino acid residue is found in multiple mammalian species, which suggests that this missense change does not adversely affect protein function. This variant has not been reported in the literature in individuals affected with RFX5-related conditions. The frequency data for this variant in the population databases is considered unreliable, as metrics indicate poor data quality at this position in the gnomAD database. This sequence change replaces arginine, which is basic and polar, with tryptophan, which is neutral and slightly polar, at codon 410 of the RFX5 protein (p.Arg410Trp).

NM_001025603.2(RFX5):c.1228C>T (p.Arg410Trp)

Gene: RFX5 (regulatory factor X5; minus strand). Cytogenetic location: 1q21.3.
Variant type: single nucleotide variant.
Coding change: c.1228C>T on transcript NM_001025603.2 (MANE Select); coding-DNA position 1228, C replaced by T.
Protein change: p.Arg410Trp; replaces arginine 410 with tryptophan.
Molecular consequence: missense variant.
Genome position (GRCh38, 1-based): chr1:151,342,809, G>A on the plus strand (C>T on the coding strand, the complement: RFX5 is on the minus strand). VCF-style: chr1-151342809-G-A. GRCh37 (hg19) VCF-style: chr1-151315285-G-A.
Other names: c.1228C>T, p.Arg410Trp (NM_000449.4, NM_001379412.1, NM_001379413.1 and 5 more transcripts); c.1108C>T, p.Arg370Trp (NM_001379419.1, NM_001379420.1); short protein forms R410W, R370W.
Identifiers: ClinVar variation 1506601 (VCV001506601.4), dbSNP rs760069839, ClinGen allele CA1089639.